The following is an entry in ClinVar:

ClinVar aggregate classification (germline): Uncertain significance (1 of 4 stars; one submission).

Conditions:
Severe early-onset pulmonary alveolar proteinosis due to MARS deficiency. Also called: PULMONARY ALVEOLAR PROTEINOSIS, REUNION ISLAND; Interstitial lung and liver disease. Identifiers: Orphanet 440427, MedGen C4225400, MONDO:0014206, OMIM 615486.
Charcot-Marie-Tooth disease axonal type 2U. Also called: CHARCOT-MARIE-TOOTH NEUROPATHY, TYPE 2U; CHARCOT-MARIE-TOOTH DISEASE, AXONAL, AUTOSOMAL DOMINANT, TYPE 2U. Identifiers: Orphanet 397735, MedGen C4084821, MONDO:0014566, OMIM 616280.

Submission:

Labcorp Genetics (formerly Invitae), Labcorp
Classification: Uncertain significance for Charcot-Marie-Tooth disease axonal type 2U; Severe early-onset pulmonary alveolar proteinosis due to MARS deficiency. Last evaluated: 2024-07-16. Review status: criteria provided, single submitter. Criteria: Invitae Variant Classification Sherloc (09022015). Collection method: clinical testing. Allele origin: germline.
Comment: This sequence change replaces asparagine, which is neutral and polar, with threonine, which is neutral and polar, at codon 574 of the MARS protein (p.Asn574Thr). This variant is not present in population databases (gnomAD no frequency). This variant has not been reported in the literature in individuals affected with MARS-related conditions. An algorithm developed to predict the effect of missense changes on protein structure and function (PolyPhen-2) suggests that this variant is likely to be tolerated. In summary, the available evidence is currently insufficient to determine the role of this variant in disease. Therefore, it has been classified as a Variant of Uncertain Significance.

NM_004990.4(MARS1):c.1721A>C (p.Asn574Thr)

Gene: MARS1 (methionyl-tRNA synthetase 1; plus strand). Cytogenetic location: 12q13.3.
Variant type: single nucleotide variant.
Coding change: c.1721A>C on transcript NM_004990.4 (MANE Select); coding-DNA position 1721, A replaced by C.
Protein change: p.Asn574Thr; replaces asparagine 574 with threonine.
Molecular consequence: missense variant.
Genome position (GRCh38, 1-based): chr12:57,512,321, A>C. VCF-style: chr12-57512321-A-C. GRCh37 (hg19) VCF-style: chr12-57906104-A-C.
Other names: short protein forms N574T.
Identifiers: ClinVar variation 2931048 (VCV002931048.3), dbSNP rs2540313705, ClinGen allele CA385462578.
Genomic context (GRCh38, chr12:57,512,321, plus strand): 5'-AAGACAATGTTCCTTTCCATAGCTTAGTCTTTCCTTGCTCAGCCCTAGGAGCTGAGGATA[A>C]CTATACCTTGGTCAGCCACCTCATTGCTACAGGTAAGTACCCTGGAAGACTACTGATGGG-3'
Protein context (NP_004981.2, residues 564-584): FPCSALGAED[Asn574Thr]YTLVSHLIAT